The following is an entry in ClinVar:

ClinVar aggregate classification (germline): Uncertain significance. Review status: criteria provided, multiple submitters, no conflicts (2 of 4 stars). 2 submissions from 2 submitters: Uncertain significance (2). Last evaluated 2025-10-30.

Conditions:
Bethlem myopathy 1B (BTHLM1B). Identifiers: MedGen C5935580, MONDO:0958233, OMIM 620725.
Bethlem myopathy 1A. Also called: Bethlem myopathy 1; MYOPATHY, BENIGN CONGENITAL, WITH CONTRACTURES; Bethlem Muscular Dystrophy. Identifiers: Orphanet 610, MedGen CN029274, MONDO:0024530, OMIM 158810.

Allele frequency attached by ClinVar (database versions not stated): ExAC 0.00003; gnomAD 0.00002; gnomAD exomes 0.00003; TOPMed 0.00001.

Submissions (2):

Dasa
Classification: Uncertain significance for Bethlem myopathy 1B. Last evaluated: 2025-10-30. Review status: criteria provided, single submitter. Criteria: DASA Assertion Criteria. Collection method: clinical testing. Allele origin: germline.
Comment: NM_001849.4(COL6A2):c.827C>T (p.Pro276Leu) is a missense variant that results in the substitution of proline with leucine. This variant is rare in population databases. Computational prediction algorithms are consistent with a deleterious effect. The currently available literature and clinical evidence are not sufficient to establish a definitive association between this variant and the reported condition. Therefore, this variant is classified as a variant of uncertain significance.

Labcorp Genetics (formerly Invitae), Labcorp
Classification: Uncertain significance for Bethlem myopathy 1A. Last evaluated: 2024-05-23. Review status: criteria provided, single submitter. Criteria: Invitae Variant Classification Sherloc (09022015). Collection method: clinical testing. Allele origin: germline.
Comment: This sequence change replaces proline, which is neutral and non-polar, with leucine, which is neutral and non-polar, at codon 276 of the COL6A2 protein (p.Pro276Leu). This variant is present in population databases (rs757488307, gnomAD 0.01%). This variant has not been reported in the literature in individuals affected with COL6A2-related conditions. ClinVar contains an entry for this variant (Variation ID: 476494). Advanced modeling of protein sequence and biophysical properties (such as structural, functional, and spatial information, amino acid conservation, physicochemical variation, residue mobility, and thermodynamic stability) performed at Invitae indicates that this missense variant is not expected to disrupt COL6A2 protein function with a negative predictive value of 80%. In summary, the available evidence is currently insufficient to determine the role of this variant in disease. Therefore, it has been classified as a Variant of Uncertain Significance.

NM_001849.4(COL6A2):c.827C>T (p.Pro276Leu)

Gene: COL6A2 (collagen type VI alpha 2 chain; plus strand). Cytogenetic location: 21q22.3.
Variant type: single nucleotide variant.
Coding change: c.827C>T on transcript NM_001849.4 (MANE Select); coding-DNA position 827, C replaced by T.
Protein change: p.Pro276Leu; replaces proline 276 with leucine.
Molecular consequence: missense variant.
Genome position (GRCh38, 1-based): chr21:46,115,897, C>T. VCF-style: chr21-46115897-C-T. GRCh37 (hg19) VCF-style: chr21-47535811-C-T.
Other names: c.827C>T, p.Pro276Leu (NM_058174.3, NM_058175.3); short protein forms P276L.
Identifiers: ClinVar variation 476494 (VCV000476494.10), dbSNP rs757488307, ClinGen allele CA10071483.